The following is an entry in ClinVar:

NM_016151.4(TAOK2):c.2482C>A (p.Pro828Thr)

Gene: TAOK2 (TAO kinase 2; plus strand). Cytogenetic location: 16p11.2.
Variant type: single nucleotide variant.
Coding change: c.2482C>A on transcript NM_016151.4 (MANE Select); coding-DNA position 2482, C replaced by A.
Protein change: p.Pro828Thr; replaces proline 828 with threonine.
Molecular consequence: missense variant. On other transcripts: intron variant (2).
Genome position (GRCh38, 1-based): chr16:29,986,754, C>A. VCF-style: chr16-29986754-C-A. GRCh37 (hg19) VCF-style: chr16-29998075-C-A.
Other names: c.2232+250C>A (NM_004783.4); c.2233-90C>A (NM_001252043.2); short protein forms P828T.
Identifiers: ClinVar variation 2791539 (VCV002791539.3), dbSNP rs2543663690, ClinGen allele CA395491873.
Genomic context (GRCh38, chr16:29,986,754, plus strand): 5'-ACTTTGGAGCCCAAGCAGCAGAGGATTCTGGGGGAAGAATCAGGAGCCCCTAGTCCCAGT[C>A]CACAAAAACATGGGAGCCTGGTTGATGAGGAAGTTTGGGGTCTGCCTGAGGAGATAGAGG-3'
Protein context (NP_057235.2, residues 818-838): GEESGAPSPS[Pro828Thr]QKHGSLVDEE

ClinVar aggregate classification (germline): Uncertain significance (1 of 4 stars; one submission).

Submission:

Labcorp Genetics (formerly Invitae), Labcorp
Classification: Uncertain significance. Last evaluated: 2024-10-29. Review status: criteria provided, single submitter. Criteria: Invitae Variant Classification Sherloc (09022015). Collection method: clinical testing. Allele origin: germline.
Comment: This sequence change replaces proline, which is neutral and non-polar, with threonine, which is neutral and polar, at codon 828 of the TAOK2 protein (p.Pro828Thr). This variant is not present in population databases (gnomAD no frequency). This variant has not been reported in the literature in individuals affected with TAOK2-related conditions. ClinVar contains an entry for this variant (Variation ID: 2791539). An algorithm developed to predict the effect of missense changes on protein structure and function (PolyPhen-2) suggests that this variant is likely to be tolerated. In summary, the available evidence is currently insufficient to determine the role of this variant in disease. Therefore, it has been classified as a Variant of Uncertain Significance.